The following is an entry in ClinVar:

ClinVar aggregate classification (germline): Benign/Likely benign. Review status: criteria provided, multiple submitters, no conflicts (2 of 4 stars). 23 submissions from 21 submitters: Benign (15); Likely benign (1). 7 of the submissions do not count toward it. Last evaluated 2026-02-04.

Conditions:
Hereditary cancer-predisposing syndrome. Also called: Tumor predisposition; Neoplastic Syndromes, Hereditary; Hereditary neoplastic syndrome; Hereditary Cancer Syndrome. Identifiers: Orphanet 140162, MedGen C0027672, MeSH D009386, MONDO:0015356.
Lymphangiomyomatosis (LAM). Also called: Lymphangioleiomyomatosis; Lymphangioleiomyomatosis, somatic. Identifiers: Orphanet 538, MedGen C0751674, MONDO:0011705, OMIM 606690.
Tuberous sclerosis syndrome (TSC). Also called: Tuberous Sclerosis Complex; Tuberous sclerosis. Identifiers: Orphanet 805, MedGen C0041341, MONDO:0001734.
Neoplasm of brain. Also called: Brain tumour; Brain Neoplasms; Brain neoplasm. Identifiers: MedGen C0006118, MeSH D001932, MONDO:0021211, HP:0030692.
Tuberous sclerosis 2 (TSC2). Identifiers: Orphanet 805, MedGen C1860707, MONDO:0013199, OMIM 613254.

Allele frequency attached by ClinVar (database versions not stated): gnomAD exomes 0.08684 and 0.09198; ExAC 0.08711; 1000 Genomes Project 0.09205; 1000 Genomes Project 30x 0.09525; gnomAD 0.12335 and 0.12927; TOPMed 0.12450; ESP Exome Variant Server 0.12842.
gnomAD v4.1: 153,407 of 1,613,492 alleles (9.5%); highest among the groups gnomAD compares: African/African-American, 20%; 8,382 homozygotes.

Submissions 1 to 24 of 38:

Labcorp Genetics (formerly Invitae), Labcorp
Classification: Benign for Tuberous sclerosis 2. Last evaluated: 2026-02-04. Review status: criteria provided, single submitter. Criteria: Invitae Variant Classification Sherloc (09022015). Collection method: clinical testing. Allele origin: germline.

ARUP Laboratories, Molecular Genetics and Genomics, ARUP Laboratories
Classification: Benign. Last evaluated: 2025-07-11. Review status: criteria provided, single submitter. Criteria: ARUP Molecular Germline Variant Investigation Process 2024. Collection method: clinical testing. Allele origin: germline.

Myriad Genetics, Inc.
Classification: Benign for Tuberous sclerosis 2. Last evaluated: 2025-05-07. Review status: criteria provided, single submitter. Criteria: Myriad Autosomal Dominant, Autosomal Recessive and X-Linked Classification Criteria (2023). Collection method: clinical testing. Allele origin: unknown.
Comment: This variant is considered benign. This variant is intronic and is not expected to impact mRNA splicing. This variant has been observed at a population frequency that is significantly greater than expected given the associated disease prevalence and penetrance.

Blueprint Genetics
Classification: Likely benign. Last evaluated: 2024-11-27. Review status: criteria provided, single submitter. Criteria: ACMG Guidelines, 2015. Collection method: clinical testing. Allele origin: germline.

KCCC/NGS Laboratory, Kuwait Cancer Control Center
Classification: Benign for Tuberous sclerosis 2. Last evaluated: 2023-07-07. Review status: criteria provided, single submitter. Criteria: ACMG Guidelines, 2015. Collection method: clinical testing. Allele origin: germline. Affected: yes.

Mayo Clinic Laboratories, Mayo Clinic
Classification: Benign. Last evaluated: 2022-03-09. Review status: criteria provided, single submitter. Criteria: ACMG Guidelines, 2015. Collection method: clinical testing. Allele origin: germline. Observed: 261 variant alleles.

Genome-Nilou Lab
Classification: Benign for Tuberous sclerosis 2. Last evaluated: 2021-11-07. Review status: criteria provided, single submitter. Criteria: ACMG Guidelines, 2015. Collection method: clinical testing. Allele origin: germline. Affected: no.

Color Diagnostics, LLC DBA Color Health
Classification: Benign for Tuberous sclerosis syndrome. Last evaluated: 2018-03-05. Review status: criteria provided, single submitter. Criteria: ACMG Guidelines, 2015. Collection method: clinical testing. Allele origin: germline.

Illumina Laboratory Services, Illumina
Classification: Benign for Tuberous sclerosis syndrome. Last evaluated: 2018-01-12. Review status: criteria provided, single submitter. Criteria: ICSL Variant Classification Criteria 13 December 2019. Collection method: clinical testing. Allele origin: germline.
Comment: This variant was observed in the ICSL laboratory as part of a predisposition screen in an ostensibly healthy population. It had not been previously curated by ICSL or reported in the Human Gene Mutation Database (HGMD: prior to June 1st, 2018), and was therefore a candidate for classification through an automated scoring system. Utilizing variant allele frequency, disease prevalence and penetrance estimates, and inheritance mode, an automated score was calculated to assess if this variant is too frequent to cause the disease. Based on the score and internal cut-off values, a variant classified as benign is not then subjected to further curation. The score for this variant resulted in a classification of benign for this disease.

Athena Diagnostics
Classification: Benign for Tuberous sclerosis 2. Last evaluated: 2017-04-14. Review status: criteria provided, single submitter. Criteria: Athena Diagnostics Criteria. Collection method: clinical testing. Allele origin: germline.

Women's Health and Genetics/Laboratory Corporation of America, LabCorp
Classification: Benign. Last evaluated: 2016-08-23. Review status: criteria provided, single submitter. Criteria: LabCorp Variant Classification Summary - May 2015. Collection method: clinical testing. Allele origin: germline.
Comment: Variant summary: c.482-3C>T in TSC2 gene is an intronic change that involves a non-conserved nucleotide. 5/5 programs in Alamut predict that this variant does not affect a normal splicing pattern, however no functional studies supporting this notion were published at the time of evaluation. The variant is present in the control population dataset of ExAC at frequency of 0.087 (10574/121392 chrs tested), predominantly in individuals of African descent (0.2; 2098/10406 chrs tested) including numerous homozygous occurrences. The observed frequencies exceed the maximum expected allele frequency for a pathogenic variant of 0.00006 suggesting that it is a benign polymorphism. The variant of interest has not, to our knowledge, been reported in affected individuals in published reports but cited as Benign/ Likely Benign by multiple reputable databases/clinical laboratory. Taking together, based on the prevalence of this variant in general population the variant was classified as Benign.

GeneDx
Classification: Benign. Last evaluated: 2015-03-03. Review status: criteria provided, single submitter. Criteria: GeneDx Variant Classification Process June 2021. Collection method: clinical testing. Allele origin: germline. Affected: yes.

Ambry Genetics
Classification: Benign for Hereditary cancer-predisposing syndrome. Last evaluated: 2014-11-21. Review status: criteria provided, single submitter. Criteria: Ambry Variant Classification Scheme 2023. Collection method: clinical testing. Allele origin: germline.

Laboratory for Molecular Medicine, Mass General Brigham Personalized Medicine
Classification: Benign. Last evaluated: 2013-02-21. Review status: criteria provided, single submitter. Criteria: LMM Criteria. Collection method: clinical testing. Allele origin: germline. Observed: 20 variant alleles.
Comment: 482-3C>T in intron 5 of TSC2: This variant is not expected to have clinical sign ificance because it has been identified in 19.1% (838/4396) of African American chromosomes from a broad population by the NHLBI Exome Sequencing Project (dbSNP rs1800720).

Breakthrough Genomics
Classification: Benign. Review status: criteria provided, single submitter. Criteria: ACMG Guidelines, 2015. Collection method: not provided. Allele origin: germline. Inheritance: Autosomal dominant inheritance. Affected: yes.

PreventionGenetics, part of Exact Sciences
Classification: Benign. Review status: criteria provided, single submitter. Criteria: ACMG Guidelines, 2015. Collection method: clinical testing. Allele origin: germline.

Clinical Genetics DNA and cytogenetics Diagnostics Lab, Erasmus MC, Erasmus Medical Center
Classification: Benign. Review status: no assertion criteria provided. Collection method: clinical testing. Allele origin: germline. Affected: yes. Study: VKGL Data-share Consensus. Not counted in ClinVar's aggregate classification.

Clinical Genetics, Academic Medical Center
Classification: Benign. Review status: no assertion criteria provided. Collection method: clinical testing. Allele origin: germline. Affected: yes. Study: VKGL Data-share Consensus. Not counted in ClinVar's aggregate classification.

Dr. Peter K. Rogan Lab, Western University
No classification provided (evidence only). Condition: Colorectal cancer. Review status: no classification provided. Collection method: in vitro. Allele origin: not applicable. Functional consequence: retained intron. Not counted in ClinVar's aggregate classification.

Dr. Peter K. Rogan Lab, Western University
No classification provided (evidence only). Condition: Malignant lymphoma, large B-cell, diffuse. Review status: no classification provided. Collection method: in vitro. Allele origin: not applicable. Functional consequence: retained intron. Not counted in ClinVar's aggregate classification.

Dr. Peter K. Rogan Lab, Western University
No classification provided (evidence only). Condition: Malignant lymphoma, large B-cell, diffuse. Review status: no classification provided. Collection method: in vitro. Allele origin: not applicable. Functional consequence: retained intron. Not counted in ClinVar's aggregate classification.

Dr. Peter K. Rogan Lab, Western University
No classification provided (evidence only). Condition: Nonpapillary renal cell carcinoma. Review status: no classification provided. Collection method: in vitro. Allele origin: not applicable. Functional consequence: retained intron. Not counted in ClinVar's aggregate classification.

Dr. Peter K. Rogan Lab, Western University
No classification provided (evidence only). Condition: Cholangiocarcinoma. Review status: no classification provided. Collection method: in vitro. Allele origin: not applicable. Functional consequence: retained intron. Not counted in ClinVar's aggregate classification.

Dr. Peter K. Rogan Lab, Western University
No classification provided (evidence only). Condition: Cholangiocarcinoma. Review status: no classification provided. Collection method: in vitro. Allele origin: not applicable. Functional consequence: retained intron. Not counted in ClinVar's aggregate classification.

NM_000548.5(TSC2):c.482-3C>T

Gene: TSC2 (TSC complex subunit 2; plus strand). Cytogenetic location: 16p13.3.
Variant type: single nucleotide variant.
Coding change: c.482-3C>T on transcript NM_000548.5 (MANE Select); 3 bases into the intron before coding-DNA position 482, C replaced by T.
Molecular consequence: intron variant.
Genome position (GRCh38, 1-based): chr16:2,055,399, C>T. VCF-style: chr16-2055399-C-T. GRCh37 (hg19) VCF-style: chr16-2105400-C-T.
Other names: p.?; c.482-3C>T (NM_001114382.3, NM_021055.3, NM_001370405.1 and 4 more transcripts); c.371-3C>T (NM_001318827.2); c.-1-797C>T (NM_001318831.2); c.335-3C>T (NM_001318829.2); c.515-3C>T (NM_001318832.2).
Identifiers: ClinVar variation 49957 (VCV000049957.50), dbSNP rs1800720, ClinGen allele CA021045.
Genomic context (GRCh38, chr16:2,055,399, plus strand): 5'-GGGGGAGGTGAGTGGGAGATGTAGATTCGGCGTCCTCGCAAACTGCCGCCGCTTCTCCCC[C>T]AGCTGACTTTGTCCTGCAGTGGATGGATGTTGGCTTGTCCTCGGAATTCCTTCTGGTGCT-3'